The following is an entry in ClinVar:

ClinVar aggregate classification (germline): Uncertain significance (1 of 4 stars; one submission).

gnomAD v4.1: 2 of 1,613,886 alleles (0.00012%); highest among the groups gnomAD compares: African/African-American, 0.0027%; no homozygotes.

Submission:

Labcorp Genetics (formerly Invitae), Labcorp
Classification: Uncertain significance. Last evaluated: 2025-06-22. Review status: criteria provided, single submitter. Criteria: Invitae Variant Classification Sherloc (09022015). Collection method: clinical testing. Allele origin: germline.
Comment: This sequence change replaces arginine, which is basic and polar, with proline, which is neutral and non-polar, at codon 243 of the SPEN protein (p.Arg243Pro). This variant is not present in population databases (gnomAD no frequency). This variant has not been reported in the literature in individuals affected with SPEN-related conditions. An algorithm developed to predict the effect of missense changes on protein structure and function (PolyPhen-2) suggests that this variant is likely to be disruptive. In summary, the available evidence is currently insufficient to determine the role of this variant in disease. Therefore, it has been classified as a Variant of Uncertain Significance.

NM_015001.3(SPEN):c.728G>C (p.Arg243Pro)

Gene: SPEN (spen family transcriptional repressor; plus strand). Cytogenetic location: 1p36.21.
Variant type: single nucleotide variant.
Coding change: c.728G>C on transcript NM_015001.3 (MANE Select); coding-DNA position 728, G replaced by C.
Protein change: p.Arg243Pro; replaces arginine 243 with proline.
Molecular consequence: missense variant.
Genome position (GRCh38, 1-based): chr1:15,876,525, G>C. VCF-style: chr1-15876525-G-C. GRCh37 (hg19) VCF-style: chr1-16203020-G-C.
Other names: short protein forms R243P.
Identifiers: ClinVar variation 4721796 (VCV004721796.1).